The following is an entry in ClinVar:

NM_017752.3(TBC1D8B):c.1463_1467del (p.Ile488fs)

Gene: TBC1D8B (TBC1 domain family member 8B; plus strand). Cytogenetic location: Xq22.3.
Variant type: Deletion.
Coding change: c.1463_1467del on transcript NM_017752.3 (MANE Select); coding-DNA positions 1463 to 1467, 5 bases deleted (TTCCA; older notation c.1463_1467delTTCCA).
Protein change: p.Ile488fs; shifts the reading frame from isoleucine 488.
Molecular consequence: frameshift variant.
Genome position (GRCh38, 1-based): chrX:106,840,157-106,840,161, TTCCA deleted; deleting any 5 consecutive bases within chrX:106,840,156-106,840,161 gives the same sequence; the c. name uses the placement nearest the transcript's 3' end. VCF-style (leftmost placement, unchanged base first): chrX-106840155-GATTCC-G. GRCh37 (hg19) VCF-style: chrX-106083385-GATTCC-G.
Other names: c.1313_1317del, p.Ile438fs (NM_001441214.1); c.1169_1173del, p.Ile390fs (NM_001441215.1); c.1463_1467del, p.Ile488fs (NM_198881.2); short protein forms I390fs, I438fs, I488fs.
Identifiers: ClinVar variation 4819038 (VCV004819038.1).

ClinVar aggregate classification (germline): Pathogenic (1 of 4 stars; one submission).

Conditions:
Nephrotic syndrome, type 20. Identifiers: MedGen C5193011, MONDO:0026726, OMIM 301028.

Submission:

Victorian Clinical Genetics Services, Murdoch Childrens Research Institute
Classification: Pathogenic for Nephrotic syndrome, type 20. Last evaluated: 2025-12-09. Review status: criteria provided, single submitter. Criteria: ACMG Guidelines, 2015. Collection method: clinical testing. Allele origin: germline. Affected: yes.
Comment: This variant is classified as Pathogenic. Evidence in support of pathogenic classification: Variant is predicted to cause nonsense-mediated decay (NMD) and loss of protein (premature termination codon is located at least 54 nucleotides upstream of the final exon-exon junction); Variant is present in gnomAD <0.01 (v4: 1 heterozygote(s), homozygote(s), 2 hemizygote(s)); This variant has limited previous evidence of pathogenicity in an unrelated individual(s). This variant has been reported in the literature in a hemizygous individual with focal segmental glomerulosclerosis with steroid-dependent nephrotic syndrome (PMID: 35970429). - Other NMD-predicted variant(s) comparable to the one identified in this case have strong previous evidence for pathogenicity (DECIPHER). Additional information: This variant is heterozygous; This gene is associated with X-linked disease. Heterozygous females may have a milder disorder with proteinuria or may be unaffected (OMIM); Loss of function is a known mechanism of disease in this gene and is associated with nephrotic syndrome, type 20 (MIM#301028); Inheritance information for this variant is not currently available in this individual.

Literature cited by the submitters: PubMed 35970429.